The following is an entry in ClinVar:

ClinVar aggregate classification (germline): Uncertain significance (1 of 4 stars; one submission).

Conditions:
Hereditary cancer-predisposing syndrome. Also called: Tumor predisposition; Hereditary Cancer Syndrome; Hereditary neoplastic syndrome; Neoplastic Syndromes, Hereditary. Identifiers: Orphanet 140162, MedGen C0027672, MeSH D009386, MONDO:0015356.

gnomAD v4.1: 1 of 1,614,018 alleles (0.000062%); no homozygotes.

Submission:

Ambry Genetics
Classification: Uncertain significance for Hereditary cancer-predisposing syndrome. Last evaluated: 2023-07-05. Review status: criteria provided, single submitter. Criteria: Ambry Variant Classification Scheme 2023. Collection method: clinical testing. Allele origin: germline.
Comment: The p.L376V variant (also known as c.1126C>G), located in coding exon 9 of the SDHA gene, results from a C to G substitution at nucleotide position 1126. The leucine at codon 376 is replaced by valine, an amino acid with highly similar properties. This amino acid position is conserved. In addition, the in silico prediction for this alteration is inconclusive. Since supporting evidence is limited at this time, the clinical significance of this alteration remains unclear.

NM_004168.4(SDHA):c.1126C>G (p.Leu376Val)

Gene: SDHA (succinate dehydrogenase complex flavoprotein subunit A; plus strand). Cytogenetic location: 5p15.33.
Variant type: single nucleotide variant.
Coding change: c.1126C>G on transcript NM_004168.4 (MANE Select); coding-DNA position 1126, C replaced by G.
Protein change: p.Leu376Val; replaces leucine 376 with valine.
Molecular consequence: missense variant.
Genome position (GRCh38, 1-based): chr5:235,205, C>G. VCF-style: chr5-235205-C-G. GRCh37 (hg19) VCF-style: chr5-235320-C-G.
Other names: c.982C>G, p.Leu328Val (NM_001294332.2); c.1126C>G, p.Leu376Val (NM_001330758.2); short protein forms L328V, L376V.
Identifiers: ClinVar variation 2587072 (VCV002587072.2), dbSNP rs1579406388, ClinGen allele CA359013511.